The following is an entry in ClinVar:

ClinVar aggregate classification (germline): Pathogenic (1 of 4 stars; one submission).

Conditions:
Neurofibromatosis, type 1 (NF1). Also called: Neurofibromatosis, type I; Peripheral type neurofibromatosis; VON RECKLINGHAUSEN DISEASE; NEUROFIBROMATOSIS, TYPE I, SOMATIC. Identifiers: Orphanet 636, MedGen C0027831, MONDO:0018975, OMIM 162200. Disease mechanism: loss of function.

Submission:

Labcorp Genetics (formerly Invitae), Labcorp
Classification: Pathogenic for Neurofibromatosis, type 1. Last evaluated: 2019-08-02. Review status: criteria provided, single submitter. Criteria: Invitae Variant Classification Sherloc (09022015). Collection method: clinical testing. Allele origin: germline.
Comment: For these reasons, this variant has been classified as Pathogenic. Loss-of-function variants in NF1 are known to be pathogenic (PMID: 10712197, 23913538). This variant has not been reported in the literature in individuals with NF1-related conditions. This variant is an out-of-frame deletion of the genomic region encompassing exons 17-29 of the NF1 gene. This is expected to create a premature translational stop signal and result in an absent or disrupted protein product.

Literature cited by the submitters: PubMed 10712197; PubMed 23913538.

NC_000017.11:g.(?_31225075)_(31236281_?)del

Gene: NF1 (neurofibromin 1; plus strand). Cytogenetic location: 17q11.2.
Variant type: Deletion.
Identifiers: ClinVar variation 831764 (VCV000831764.3).